The following is an entry in ClinVar:

ClinVar aggregate classification (germline): Likely benign (1 of 4 stars; one submission).

gnomAD v4.1: 13 of 1,549,774 alleles (0.00084%); highest among the groups gnomAD compares: African/African-American, 0.0055%; no homozygotes.

Submission:

CeGaT Center for Human Genetics Tuebingen
Classification: Likely benign. Last evaluated: 2026-02-01. Review status: criteria provided, single submitter. Criteria: CeGaT Center For Human Genetics Tuebingen Variant Classification Criteria Version 2. Collection method: clinical testing. Allele origin: germline. Affected: yes. Observed: 1 variant allele.
Comment: CCDC18: BP4, BP7

NM_001378204.1(CCDC18):c.4269G>A (p.Thr1423=)

Gene: CCDC18 (coiled-coil domain containing 18; plus strand). Cytogenetic location: 1p22.1.
Variant type: single nucleotide variant.
Coding change: c.4269G>A on transcript NM_001378204.1 (MANE Select); coding-DNA position 4269, G replaced by A.
Protein change: p.Thr1423=; no amino-acid change (threonine 1423 retained).
Molecular consequence: synonymous variant. On other transcripts: intron variant (1).
Genome position (GRCh38, 1-based): chr1:93,270,730, G>A. VCF-style: chr1-93270730-G-A. GRCh37 (hg19) VCF-style: chr1-93736287-G-A.
Other names: c.4266G>A, p.Thr1422= (NM_001306076.1); c.3885+5829G>A (NM_206886.4).
Identifiers: ClinVar variation 4821386 (VCV004821386.4).